The following is an entry in ClinVar:

NM_031844.3(HNRNPU):c.1400T>G (p.Phe467Cys)

Gene: HNRNPU (heterogeneous nuclear ribonucleoprotein U; minus strand). Cytogenetic location: 1q44.
Variant type: single nucleotide variant.
Coding change: c.1400T>G on transcript NM_031844.3 (MANE Select); coding-DNA position 1400, T replaced by G.
Protein change: p.Phe467Cys; replaces phenylalanine 467 with cysteine.
Molecular consequence: missense variant.
Genome position (GRCh38, 1-based): chr1:244,858,105, A>C on the plus strand (T>G on the coding strand, the complement: HNRNPU is on the minus strand). VCF-style: chr1-244858105-A-C. GRCh37 (hg19) VCF-style: chr1-245021407-A-C.
Other names: c.1343T>G, p.Phe448Cys (NM_004501.3); short protein forms F448C, F467C.
Identifiers: ClinVar variation 4999345 (VCV004999345.1).

ClinVar aggregate classification (germline): Uncertain significance (1 of 4 stars; one submission).

Conditions:
HNRNPU-related disorder. Also called: HNRNPU-related condition.

Submission:

PreventionGenetics, part of Exact Sciences
Classification: Uncertain significance for HNRNPU-related condition. Last evaluated: 2024-11-24. Review status: criteria provided, single submitter. Criteria: ACMG Guidelines, 2015. Collection method: clinical testing. Allele origin: germline.
Comment: The HNRNPU c.1400T>G variant is predicted to result in the amino acid substitution p.Phe467Cys. To our knowledge, this variant has not been reported in the literature or in a large population database (gnomAD), indicating this variant is rare. At this time, the clinical significance of this variant is uncertain due to the absence of conclusive functional and genetic evidence.